The following is an entry in ClinVar:

ClinVar aggregate classification (germline): Pathogenic (1 of 4 stars; one submission).

Conditions:
Primary pulmonary hypertension. Also called: Idiopathic pulmonary hypertension. Identifiers: MedGen C0152171.

Submission:

Labcorp Genetics (formerly Invitae), Labcorp
Classification: Pathogenic for Primary pulmonary hypertension. Last evaluated: 2025-11-06. Review status: criteria provided, single submitter. Criteria: Invitae Variant Classification Sherloc (09022015). Collection method: clinical testing. Allele origin: germline.
Comment: This sequence change falls in intron 1 of the BMPR2 gene. It does not directly change the encoded amino acid sequence of the BMPR2 protein. It affects a nucleotide within the consensus splice site. This variant is not present in population databases (gnomAD no frequency). This variant has been observed in individual(s) with pulmonary arterial hypertension (internal data). In at least one individual the variant was observed to be de novo. Variants that disrupt the consensus splice site are a relatively common cause of aberrant splicing (PMID: 17576681, 9536098). Algorithms developed to predict the effect of sequence changes on RNA splicing suggest that this variant may disrupt the consensus splice site. For these reasons, this variant has been classified as Pathogenic.

Literature cited by the submitters: PubMed 17576681; PubMed 9536098.

NM_001204.7(BMPR2):c.76+4A>T

Gene: BMPR2 (bone morphogenetic protein receptor type 2; plus strand). Cytogenetic location: 2q33.1.
Variant type: single nucleotide variant.
Coding change: c.76+4A>T on transcript NM_001204.7 (MANE Select); 4 bases into the intron after coding-DNA position 76, A replaced by T.
Molecular consequence: intron variant.
Genome position (GRCh38, 1-based): chr2:202,377,554, A>T. VCF-style: chr2-202377554-A-T. GRCh37 (hg19) VCF-style: chr2-203242277-A-T.
Identifiers: ClinVar variation 4727935 (VCV004727935.1).